The following is an entry in ClinVar:

ClinVar aggregate classification (germline): Uncertain significance. Review status: criteria provided, multiple submitters, no conflicts (2 of 4 stars). 2 submissions from 2 submitters: Uncertain significance (2). Last evaluated 2024-09-03.

Conditions:
Cardiomyopathy (CMYO). Also called: Cardiomyopathies. Identifiers: Orphanet 167848, MedGen C0878544, MONDO:0004994, HP:0001638. Inheritance: Various modes of inheritance.
Arrhythmogenic right ventricular dysplasia 5. Also called: Arrhythmogenic Right Ventricular Dysplasia/Cardiomyopathy 5; ARRHYTHMOGENIC RIGHT VENTRICULAR DYSPLASIA, FAMILIAL, 5. Identifiers: MedGen C1858379, MONDO:0011459, OMIM 604400.

Allele frequency attached by ClinVar (database versions not stated): gnomAD exomes below 0.00001.
gnomAD v4.1: 1 of 1,613,586 alleles (0.000062%); highest among the groups gnomAD compares: Non-Finnish European, 0.000085%; no homozygotes.

Submissions (2):

All of Us Research Program, National Institutes of Health
Classification: Uncertain significance for Arrhythmogenic right ventricular dysplasia 5. Last evaluated: 2024-09-03. Review status: criteria provided, single submitter. Criteria: ACMG Guidelines, 2015. Collection method: clinical testing. Allele origin: germline. Inheritance: Autosomal dominant inheritance. Observed: 1 variant allele, 1 heterozygote.
Comment: This missense variant replaces alanine with valine at codon 396 of the TMEM43 protein. Computational prediction suggests that this variant may not impact protein structure and function (internally defined REVEL score threshold <= 0.5, PMID: 27666373). To our knowledge, functional studies have not been reported for this variant. This variant has not been reported in individuals affected with cardiovascular disorders in the literature. This variant has been identified in 1/250740 chromosomes in the general population by the Genome Aggregation Database (gnomAD). The available evidence is insufficient to determine the role of this variant in disease conclusively. Therefore, this variant is classified as a Variant of Uncertain Significance.

This study involves interpretation of variants in research participants for the purpose of population health screening. Participant phenotype was not available at the time of variant classification. Additional details can be found in publication PMID: 35346344, PMCID: PMC8962531

Color Diagnostics, LLC DBA Color Health
Classification: Uncertain significance for Cardiomyopathy. Last evaluated: 2024-03-06. Review status: criteria provided, single submitter. Criteria: ACMG Guidelines, 2015. Collection method: clinical testing. Allele origin: germline.
Comment: This missense variant replaces alanine with valine at codon 396 of the TMEM43 protein. Computational prediction suggests that this variant may not impact protein structure and function (internally defined REVEL score threshold <= 0.5, PMID: 27666373). To our knowledge, functional studies have not been reported for this variant. This variant has not been reported in individuals affected with cardiovascular disorders in the literature. This variant has been identified in 1/250740 chromosomes in the general population by the Genome Aggregation Database (gnomAD). The available evidence is insufficient to determine the role of this variant in disease conclusively. Therefore, this variant is classified as a Variant of Uncertain Significance.

NM_024334.3(TMEM43):c.1187C>T (p.Ala396Val)

Gene: TMEM43 (transmembrane protein 43; plus strand). Cytogenetic location: 3p25.1.
Variant type: single nucleotide variant.
Coding change: c.1187C>T on transcript NM_024334.3 (MANE Select); coding-DNA position 1187, C replaced by T.
Protein change: p.Ala396Val; replaces alanine 396 with valine.
Molecular consequence: missense variant.
Genome position (GRCh38, 1-based): chr3:14,141,779, C>T. VCF-style: chr3-14141779-C-T. GRCh37 (hg19) VCF-style: chr3-14183279-C-T.
Other names: short protein forms A396V.
Identifiers: ClinVar variation 920492 (VCV000920492.5), dbSNP rs1339511658, ClinGen allele CA351536696.